The following is an entry in ClinVar:

ClinVar aggregate classification (germline): Uncertain significance (1 of 4 stars; one submission).

Submission:

GeneDx
Classification: Uncertain significance. Last evaluated: 2024-06-11. Review status: criteria provided, single submitter. Criteria: GeneDx Variant Classification Process June 2021. Collection method: clinical testing. Allele origin: germline. Affected: yes.
Comment: Not observed at significant frequency in large population cohorts (gnomAD); In silico analysis supports that this missense variant has a deleterious effect on protein structure/function; Has not been previously published as pathogenic or benign to our knowledge

NM_001005273.3(CHD3):c.2794G>A (p.Glu932Lys)

Gene: CHD3 (chromodomain helicase DNA binding protein 3; plus strand). Cytogenetic location: 17p13.1.
Variant type: single nucleotide variant.
Coding change: c.2794G>A on transcript NM_001005273.3 (MANE Select); coding-DNA position 2794, G replaced by A.
Protein change: p.Glu932Lys; replaces glutamic acid 932 with lysine.
Molecular consequence: missense variant.
Genome position (GRCh38, 1-based): chr17:7,900,401, G>A. VCF-style: chr17-7900401-G-A. GRCh37 (hg19) VCF-style: chr17-7803719-G-A.
Other names: c.2971G>A, p.Glu991Lys (NM_001005271.3); c.2794G>A, p.Glu932Lys (NM_005852.4); short protein forms E932K, E991K.
Identifiers: ClinVar variation 3390794 (VCV003390794.1).